The following is an entry in ClinVar:

NM_001370100.5(ZMYND11):c.1741T>C (p.Cys581Arg)

Gene: ZMYND11 (zinc finger MYND-type containing 11; plus strand). Cytogenetic location: 10p15.3.
Variant type: single nucleotide variant.
Coding change: c.1741T>C on transcript NM_001370100.5 (MANE Select); coding-DNA position 1741, T replaced by C.
Protein change: p.Cys581Arg; replaces cysteine 581 with arginine.
Molecular consequence: missense variant. On other transcripts: non-coding transcript variant (1).
Genome position (GRCh38, 1-based): chr10:252,402, T>C. VCF-style: chr10-252402-T-C. GRCh37 (hg19) VCF-style: chr10-298342-T-C.
Other names: c.1741T>C, p.Cys581Arg (NM_001161482.1, NM_001370097.3, NM_001370098.2 and 4 more transcripts); c.1579T>C, p.Cys527Arg (NM_001202464.3, NM_001370103.2, NM_001370104.2 and 5 more transcripts); c.1486T>C, p.Cys496Arg (NM_001202465.3, NM_001370110.2); c.1576T>C, p.Cys526Arg (NM_001202466.3, NM_001370111.2); c.1690T>C, p.Cys564Arg (NM_001330057.3, NM_001370112.2); c.1648T>C, p.Cys550Arg (NM_001370113.2, NM_001370114.2); c.1738T>C, p.Cys580Arg (NM_001370115.2); c.1675T>C, p.Cys559Arg (NM_001370116.2); and 8 more; short protein forms C424R, C462R, C479R, C487R, C496R, C505R, C526R, C527R.
Identifiers: ClinVar variation 3050113 (VCV003050113.2), dbSNP rs2540121791, ClinGen allele CA375824537.

ClinVar aggregate classification (germline): Uncertain significance (0 of 4 stars; one submission).

Conditions:
ZMYND11-related disorder. Also called: ZMYND11-related condition.

Submission:

PreventionGenetics, part of Exact Sciences
Classification: Uncertain significance for ZMYND11-related condition. Last evaluated: 2023-12-15. Review status: no assertion criteria provided. Collection method: clinical testing. Allele origin: germline.
Comment: The ZMYND11 c.1741T>C variant is predicted to result in the amino acid substitution p.Cys581Arg. To our knowledge, this variant has not been reported in the literature or in a large population database, indicating this variant is rare. At this time, the clinical significance of this variant is uncertain due to the absence of conclusive functional and genetic evidence.